The following is an entry in ClinVar:

NM_001042492.3(NF1):c.7155_7158dup (p.Asn2387delinsLeuTer)

Gene: NF1 (neurofibromin 1; plus strand). Cytogenetic location: 17q11.2.
Variant type: Duplication.
Coding change: c.7155_7158dup on transcript NM_001042492.3 (MANE Select); coding-DNA positions 7155 to 7158, 4 bases duplicated (CTTT; older notation c.7155_7158dupCTTT).
Protein change: p.Asn2387delinsLeuTer.
Molecular consequence: nonsense. On other transcripts: frameshift variant (1).
Genome position (GRCh38, 1-based): chr17:31,343,101-31,343,104, CTTT duplicated. VCF-style (leftmost placement, unchanged base first): chr17-31343100-A-ACTTT. GRCh37 (hg19) VCF-style: chr17-29670118-A-ACTTT.
Other names: c.7092_7095dup, p.Asn2366Leufs (NM_000267.4).
Identifiers: ClinVar variation 2861846 (VCV002861846.3), dbSNP rs2508780112, ClinGen allele CA2739265561.

ClinVar aggregate classification (germline): Pathogenic (1 of 4 stars; one submission).

Conditions:
Neurofibromatosis, type 1 (NF1). Also called: Neurofibromatosis, type I; NEUROFIBROMATOSIS, TYPE I, SOMATIC; Peripheral type neurofibromatosis; VON RECKLINGHAUSEN DISEASE. Identifiers: Orphanet 636, MedGen C0027831, MONDO:0018975, OMIM 162200. Disease mechanism: loss of function.

Submission:

Labcorp Genetics (formerly Invitae), Labcorp
Classification: Pathogenic for Neurofibromatosis, type 1. Last evaluated: 2023-05-03. Review status: criteria provided, single submitter. Criteria: Invitae Variant Classification Sherloc (09022015). Collection method: clinical testing. Allele origin: germline.
Comment: This variant has not been reported in the literature in individuals affected with NF1-related conditions. For these reasons, this variant has been classified as Pathogenic. This variant is not present in population databases (gnomAD no frequency). This sequence change creates a premature translational stop signal (p.Asn2366Leufs*2) in the NF1 gene. It is expected to result in an absent or disrupted protein product. Loss-of-function variants in NF1 are known to be pathogenic (PMID: 10712197, 23913538).

Literature cited by the submitters: PubMed 10712197; PubMed 23913538.